The following is an entry in ClinVar:

NM_000017.4(ACADS):c.656C>T (p.Thr219Met)

Gene: ACADS (acyl-CoA dehydrogenase short chain; plus strand). Cytogenetic location: 12q24.31.
Variant type: single nucleotide variant.
Coding change: c.656C>T on transcript NM_000017.4 (MANE Select); coding-DNA position 656, C replaced by T.
Protein change: p.Thr219Met; replaces threonine 219 with methionine.
Molecular consequence: missense variant.
Genome position (GRCh38, 1-based): chr12:120,738,311, C>T. VCF-style: chr12-120738311-C-T. GRCh37 (hg19) VCF-style: chr12-121176114-C-T.
Other names: c.644C>T, p.Thr215Met (NM_001302554.2); short protein forms T219M, T215M.
Identifiers: ClinVar variation 203551 (VCV000203551.10), dbSNP rs148588313, ClinGen allele CA312207.

ClinVar aggregate classification (germline): Uncertain significance. Review status: criteria provided, multiple submitters, no conflicts (2 of 4 stars). 2 submissions from 2 submitters: Uncertain significance (2). Last evaluated 2025-12-22.

Conditions:
Deficiency of butyryl-CoA dehydrogenase (ACADSD). Also called: ACADS DEFICIENCY; SCAD DEFICIENCY, MILD; ACYL-CoA DEHYDROGENASE, SHORT-CHAIN, DEFICIENCY OF; SCADH DEFICIENCY; Short-Chain Acyl-CoA Dehydrogenase Deficiency; SCAD Deficiency. Identifiers: Orphanet 26792, MedGen C0342783, MONDO:0008722, OMIM 201470. Disease mechanism: May be benign.

Allele frequency attached by ClinVar (database versions not stated): gnomAD exomes 0.00006 and 0.00008; ExAC 0.00012; gnomAD 0.00015 and 0.00016; TOPMed 0.00019; ESP Exome Variant Server 0.00023; 1000 Genomes Project 30x 0.00031; 1000 Genomes Project 0.00040.
gnomAD v4.1: 114 of 1,614,186 alleles (0.0071%); highest among the groups gnomAD compares: African/African-American, 0.055%; no homozygotes.

Submissions (2):

Labcorp Genetics (formerly Invitae), Labcorp
Classification: Uncertain significance for Deficiency of butyryl-CoA dehydrogenase. Last evaluated: 2025-12-22. Review status: criteria provided, single submitter. Criteria: Invitae Variant Classification Sherloc (09022015). Collection method: clinical testing. Allele origin: germline.
Comment: This sequence change replaces threonine, which is neutral and polar, with methionine, which is neutral and non-polar, at codon 219 of the ACADS protein (p.Thr219Met). This variant is present in population databases (rs148588313, gnomAD 0.05%). This variant has not been reported in the literature in individuals affected with ACADS-related conditions. ClinVar contains an entry for this variant (Variation ID: 203551). Invitae Evidence Modeling of protein sequence and biophysical properties (such as structural, functional, and spatial information, amino acid conservation, physicochemical variation, residue mobility, and thermodynamic stability) has been performed for this missense variant. However, the output from this modeling did not meet the statistical confidence thresholds required to predict the impact of this variant on ACADS protein function. In summary, the available evidence is currently insufficient to determine the role of this variant in disease. Therefore, it has been classified as a Variant of Uncertain Significance.

Fulgent Genetics
Classification: Uncertain significance for Deficiency of butyryl-CoA dehydrogenase. Last evaluated: 2024-05-31. Review status: criteria provided, single submitter. Criteria: ACMG Guidelines, 2015. Collection method: clinical testing. Allele origin: germline.